The following is an entry in ClinVar:

ClinVar aggregate classification (germline): Uncertain significance (1 of 4 stars; one submission).

Conditions:
Hereditary cancer-predisposing syndrome. Also called: Tumor predisposition; Neoplastic Syndromes, Hereditary; Hereditary neoplastic syndrome; Hereditary Cancer Syndrome. Identifiers: Orphanet 140162, MedGen C0027672, MeSH D009386, MONDO:0015356.

Submission:

Ambry Genetics
Classification: Uncertain significance for Hereditary cancer-predisposing syndrome. Last evaluated: 2024-10-01. Review status: criteria provided, single submitter. Criteria: Ambry Variant Classification Scheme 2023. Collection method: clinical testing. Allele origin: germline.
Comment: The p.R1125W variant (also known as c.3373A>T), located in coding exon 23 of the SMARCA4 gene, results from an A to T substitution at nucleotide position 3373. The arginine at codon 1125 is replaced by tryptophan, an amino acid with dissimilar properties. This amino acid position is conserved. In addition, this alteration is predicted to be deleterious by in silico analysis. Based on the available evidence, the clinical significance of this variant remains unclear.

NM_003072.5(SMARCA4):c.3373A>T (p.Arg1125Trp)

Gene: SMARCA4 (SWI/SNF related BAF chromatin remodeling complex subunit ATPase 4; plus strand). Cytogenetic location: 19p13.2.
Variant type: single nucleotide variant.
Coding change: c.3373A>T on transcript NM_003072.5 (MANE Select); coding-DNA position 3373, A replaced by T.
Protein change: p.Arg1125Trp; replaces arginine 1125 with tryptophan.
Molecular consequence: missense variant. On other transcripts: non-coding transcript variant (1).
Genome position (GRCh38, 1-based): chr19:11,027,941, A>T. VCF-style: chr19-11027941-A-T. GRCh37 (hg19) VCF-style: chr19-11138617-A-T.
Other names: c.3373A>T, p.Arg1125Trp (NM_001128844.3, NM_001128845.2, NM_001128846.2 and 6 more transcripts); short protein forms R1125W.
Identifiers: ClinVar variation 3446008 (VCV003446008.1).